The following is an entry in ClinVar:

ClinVar aggregate classification (germline): Benign. Review status: criteria provided, multiple submitters, no conflicts (2 of 4 stars). 2 submissions from 2 submitters: Benign (2). Last evaluated 2018-06-14.

Allele frequency attached by ClinVar (database versions not stated): 1000 Genomes Project 30x 0.21174; 1000 Genomes Project 0.21426; TOPMed 0.24042; gnomAD 0.25374 and 0.25768.
gnomAD v4.1: 270,960 of 1,036,674 alleles (26%); highest among the groups gnomAD compares: Non-Finnish European, 28%; 37,000 homozygotes.

Submissions (2):

GeneDx
Classification: Benign. Last evaluated: 2018-06-14. Review status: criteria provided, single submitter. Criteria: GeneDx Variant Classification (06012015). Collection method: clinical testing. Allele origin: germline. Affected: yes.
Comment: This variant is considered likely benign or benign based on one or more of the following criteria: it is a conservative change, it occurs at a poorly conserved position in the protein, it is predicted to be benign by multiple in silico algorithms, and/or has population frequency not consistent with disease.

Breakthrough Genomics
Classification: Benign. Review status: criteria provided, single submitter. Criteria: ACMG Guidelines, 2015. Collection method: not provided. Allele origin: germline. Inheritance: Autosomal recessive inheritance. Affected: yes.

NM_001244008.2(KIF1A):c.608+115C>T

Gene: KIF1A (kinesin family member 1A; minus strand). Cytogenetic location: 2q37.3.
Variant type: single nucleotide variant.
Coding change: c.608+115C>T on transcript NM_001244008.2 (MANE Select); 115 bases into the intron after coding-DNA position 608, C replaced by T.
Molecular consequence: intron variant.
Genome position (GRCh38, 1-based): chr2:240,786,220, G>A on the plus strand (C>T on the coding strand, the complement: KIF1A is on the minus strand). VCF-style: chr2-240786220-G-A. GRCh37 (hg19) VCF-style: chr2-241725637-G-A.
Other names: c.608+115C>T (NM_001379653.1, NM_001379650.1, NM_001379645.1 and 20 more transcripts).
Identifiers: ClinVar variation 682833 (VCV000682833.2), dbSNP rs74002922, ClinGen allele CA11142931.